The following is an entry in ClinVar:

NM_001042492.3(NF1):c.8259A>C (p.Glu2753Asp)

Gene: NF1 (neurofibromin 1; plus strand). Cytogenetic location: 17q11.2.
Variant type: single nucleotide variant.
Coding change: c.8259A>C on transcript NM_001042492.3 (MANE Select); coding-DNA position 8259, A replaced by C.
Protein change: p.Glu2753Asp; replaces glutamic acid 2753 with aspartic acid.
Molecular consequence: missense variant.
Genome position (GRCh38, 1-based): chr17:31,360,585, A>C. VCF-style: chr17-31360585-A-C. GRCh37 (hg19) VCF-style: chr17-29687603-A-C.
Other names: c.8196A>C, p.Glu2732Asp (NM_000267.4); short protein forms E2732D, E2753D.
Identifiers: ClinVar variation 934523 (VCV000934523.6), dbSNP rs2070374976, ClinGen allele CA399204723.

ClinVar aggregate classification (germline): Uncertain significance (1 of 4 stars; one submission).

Conditions:
Neurofibromatosis, type 1 (NF1). Also called: Peripheral type neurofibromatosis; VON RECKLINGHAUSEN DISEASE; Neurofibromatosis, type I; NEUROFIBROMATOSIS, TYPE I, SOMATIC. Identifiers: Orphanet 636, MedGen C0027831, MONDO:0018975, OMIM 162200. Disease mechanism: loss of function.

Submission:

Labcorp Genetics (formerly Invitae), Labcorp
Classification: Uncertain significance for Neurofibromatosis, type 1. Last evaluated: 2019-08-22. Review status: criteria provided, single submitter. Criteria: Invitae Variant Classification Sherloc (09022015). Collection method: clinical testing. Allele origin: germline.
Comment: In summary, the available evidence is currently insufficient to determine the role of this variant in disease. Therefore, it has been classified as a Variant of Uncertain Significance. Algorithms developed to predict the effect of missense changes on protein structure and function are either unavailable or do not agree on the potential impact of this missense change (SIFT: "Deleterious"; PolyPhen-2: "Probably Damaging"; Align-GVGD: "Class C0"). This variant has not been reported in the literature in individuals with NF1-related conditions. This variant is not present in population databases (ExAC no frequency). This sequence change replaces glutamic acid with aspartic acid at codon 2732 of the NF1 protein (p.Glu2732Asp). The glutamic acid residue is moderately conserved and there is a small physicochemical difference between glutamic acid and aspartic acid.